The following is an entry in ClinVar:

NM_002381.5(MATN3):c.620C>T (p.Ala207Val)

Gene: MATN3 (matrilin 3; minus strand). Cytogenetic location: 2p24.1.
Variant type: single nucleotide variant.
Coding change: c.620C>T on transcript NM_002381.5 (MANE Select); coding-DNA position 620, C replaced by T.
Protein change: p.Ala207Val; replaces alanine 207 with valine.
Molecular consequence: missense variant.
Genome position (GRCh38, 1-based): chr2:20,005,914, G>A on the plus strand (C>T on the coding strand, the complement: MATN3 is on the minus strand). VCF-style: chr2-20005914-G-A. GRCh37 (hg19) VCF-style: chr2-20205675-G-A.
Other names: c.620C>T (NM_002381.4); short protein forms A207V.
Identifiers: ClinVar variation 1984059 (VCV001984059.8), dbSNP rs775138248, ClinGen allele CA1543942.

ClinVar aggregate classification (germline): Uncertain significance. Review status: criteria provided, multiple submitters, no conflicts (2 of 4 stars). 3 submissions from 3 submitters: Uncertain significance (3). Last evaluated 2025-06-07.

Conditions:
Inborn genetic diseases. Identifiers: MedGen C0950123, MeSH D030342.

Allele frequency attached by ClinVar (database versions not stated): ExAC 0.00001; TOPMed 0.00003; gnomAD 0.00004.
gnomAD v4.1: 26 of 1,612,740 alleles (0.0016%); highest among the groups gnomAD compares: Admixed American, 0.005%; no homozygotes.

Submissions (3):

Ambry Genetics
Classification: Uncertain significance for Inborn genetic diseases. Last evaluated: 2025-06-07. Review status: criteria provided, single submitter. Criteria: Ambry Variant Classification Scheme 2023. Collection method: clinical testing. Allele origin: germline.

Labcorp Genetics (formerly Invitae), Labcorp
Classification: Uncertain significance. Last evaluated: 2025-04-24. Review status: criteria provided, single submitter. Criteria: Invitae Variant Classification Sherloc (09022015). Collection method: clinical testing. Allele origin: germline.
Comment: This sequence change replaces alanine, which is neutral and non-polar, with valine, which is neutral and non-polar, at codon 207 of the MATN3 protein (p.Ala207Val). The frequency data for this variant in the population databases is considered unreliable, as metrics indicate poor data quality at this position in the gnomAD database. This variant has not been reported in the literature in individuals affected with MATN3-related conditions. ClinVar contains an entry for this variant (Variation ID: 1984059). Invitae Evidence Modeling of protein sequence and biophysical properties (such as structural, functional, and spatial information, amino acid conservation, physicochemical variation, residue mobility, and thermodynamic stability) indicates that this missense variant is not expected to disrupt MATN3 protein function with a negative predictive value of 80%. In summary, the available evidence is currently insufficient to determine the role of this variant in disease. Therefore, it has been classified as a Variant of Uncertain Significance.

Breakthrough Genomics
Classification: Uncertain significance. Review status: criteria provided, single submitter. Criteria: ACMG Guidelines, 2015. Collection method: not provided. Allele origin: germline. Inheritance: Autosomal recessive inheritance. Affected: yes.